The following continues an entry in ClinVar:

NM_002834.5(PTPN11):c.182A>G (p.Asp61Gly)

Gene: PTPN11. ClinVar aggregate classification (germline): Pathogenic. Pathogenic (26).

Submissions 20 to 33 of 33:

Women's Health and Genetics/Laboratory Corporation of America, LabCorp
Classification: Pathogenic for Rasopathy. Last evaluated: 2020-02-29. Review status: criteria provided, single submitter. Criteria: LabCorp Variant Classification Summary - May 2015. Collection method: clinical testing. Allele origin: germline.
Comment: Variant summary: PTPN11 c.182A>G (p.Asp61Gly) results in a non-conservative amino acid change located in the SH2 domain of the encoded protein sequence. Four of five in-silico tools predict a damaging effect of the variant on protein function. The variant was absent in 251804 control chromosomes. c.182A>G has been well reported in the literature in multiple individuals affected with Noonan Syndrome and Related Conditions (example, Tartaglia_2001, Musante_2003, Bertola_2006, Kosaki_2002, Ferreira_2008, Strullu_2014). These data indicate that the variant is very likely to be associated with disease. Several publications report experimental evidence evaluating an impact on protein function. The most pronounced variant effect results in a gain of function leading to activation of the Ras-ErK signaling pathway (example, Hu_2015). Five clinical diagnostic laboratories have submitted clinical-significance assessments for this variant to ClinVar after 2014 without evidence for independent evaluation. All laboratories classified the variant as pathogenic. Based on the evidence outlined above, the variant was classified as pathogenic.

Genome Diagnostics Laboratory, The Hospital for Sick Children
Classification: Pathogenic for Noonan syndrome and Noonan-related syndrome. Last evaluated: 2018-07-17. Review status: criteria provided, single submitter. Criteria: ACMG Guidelines, 2015. Collection method: clinical testing. Allele origin: germline. Affected: yes.

Centre for Mendelian Genomics, University Medical Centre Ljubljana
Classification: Pathogenic for Abnormal cardiovascular system morphology; Short stature. Last evaluated: 2017-01-01. Review status: criteria provided, single submitter. Criteria: ACMG Guidelines, 2015. Collection method: clinical testing. Allele origin: unknown. Affected: yes.

Centre for Mendelian Genomics, University Medical Centre Ljubljana
Classification: Pathogenic for LEOPARD syndrome 1. Last evaluated: 2016-01-01. Review status: criteria provided, single submitter. Criteria: ACMG Guidelines, 2015. Collection method: clinical testing. Allele origin: unknown. Affected: yes.
Comment: This variant was classified as: Pathogenic.

Laboratory for Molecular Medicine, Mass General Brigham Personalized Medicine
Classification: Pathogenic for Noonan syndrome; Juvenile myelomonocytic leukemia. Last evaluated: 2015-07-14. Review status: criteria provided, single submitter. Criteria: LMM Criteria. Collection method: clinical testing. Allele origin: germline. Inheritance: Autosomal dominant inheritance. Observed: 21 variant alleles.
Comment: The p.Asp61Gly variant in PTPN11 has been previously reported in >30 individuals with Noonan syndrome with or without juvenile myelomonocytic leukemia (JMML) in cluding at least 5 de novo occurrences (Tartagila 2001, Kosaki 2002, Yoshida 200 4, Kratz 2005, Bertola 2006, Chan 2006, Shaw 2007, Noordam 2005, Strullu 2014, B ouchikhi 2015, LMM data). It was also identified as a somatic variant in 1 child with acute lymphoblastic leukemia (ALL) and 2 children with JMML (Yamamoto 2006 , Stullu 2014). It has not been identified in large population studies. Both in vivo animal models and in vitro studies provide evidence that this variant impac ts protein function (Araki 2004, Kontaridis 2006, Uhlen 2006, Eminaga 2008, Wang 2009, Xu 2010, De Rocca 2012, Bonetti 2014, Lee 2014). In summary, this variant meets our criteria to be classified as pathogenic for Noonan syndrome and JMML in an autosomal dominant manner.

Eurofins Ntd Llc (ga)
Classification: Pathogenic. Last evaluated: 2013-03-01. Review status: criteria provided, single submitter. Criteria: EGL Classification Definitions 2015. Collection method: clinical testing. Allele origin: germline. Observed: 1 variant allele, 1 heterozygote.

Clinical Genetics Service, Universitary Hospital 12 de Octubre
Classification: Pathogenic for Noonan syndrome 1. Review status: criteria provided, single submitter. Criteria: ACMG Guidelines, 2015. Collection method: clinical testing. Allele origin: de novo. Affected: yes.

Beijing Key Laboratory for Genetic Research of Skeletal Deformity, Peking Union Medical College Hospital
Classification: Likely pathogenic for Noonan syndrome 1. Last evaluated: 2019-05-31. Review status: no assertion criteria provided. Collection method: research. Allele origin: maternal. Affected: yes. Not counted in ClinVar's aggregate classification.

Greenwood Genetic Center Diagnostic Laboratories, Greenwood Genetic Center
Classification: Pathogenic. Last evaluated: 2015-01-15. Review status: no assertion criteria provided. Collection method: clinical testing. Allele origin: germline. Not counted in ClinVar's aggregate classification.

OMIM
Classification: Pathogenic for NOONAN SYNDROME 1. Last evaluated: 2002-08-01. Review status: no assertion criteria provided. Collection method: literature only. Allele origin: germline. Not counted in ClinVar's aggregate classification.

Division of Human Genetics, National Health Laboratory Service/University of the Witwatersrand
Classification: Pathogenic for Noonan syndrome 1. Review status: no assertion criteria provided. Collection method: research. Allele origin: unknown. Affected: yes. Observed: 1 variant allele. Not counted in ClinVar's aggregate classification.

Genome Diagnostics Laboratory, Amsterdam University Medical Center
Classification: Pathogenic. Review status: no assertion criteria provided. Collection method: clinical testing. Allele origin: germline. Affected: yes. Study: VKGL Data-share Consensus. Not counted in ClinVar's aggregate classification.

Joint Genome Diagnostic Labs from Nijmegen and Maastricht, Radboudumc and MUMC+
Classification: Pathogenic. Review status: no assertion criteria provided. Collection method: clinical testing. Allele origin: germline. Affected: yes. Study: VKGL Data-share Consensus. Not counted in ClinVar's aggregate classification.

Molecular Genetics, Centre for Human Genetics
Classification: Pathogenic for Noonan syndrome 1. Review status: no assertion criteria provided. Collection method: clinical testing. Allele origin: de novo. Inheritance: Autosomal dominant inheritance. Affected: yes. Observed: 1 variant allele. Not counted in ClinVar's aggregate classification.

Literature cited by the submitters: PubMed 15987685 (cited by 4 submitters); PubMed 15273746 (cited by 5 submitters); PubMed 23321623 (cited by 3 submitters); PubMed 26242988 (cited by 3 submitters); PubMed 11704759 (cited by 3 submitters); PubMed 11992261 (cited by Labcorp Genetics (formerly Invitae), Labcorp and Illumina Laboratory Services, Illumina); PubMed 12634870 (cited by Labcorp Genetics (formerly Invitae), Labcorp and Women's Health and Genetics/Laboratory Corporation of America, LabCorp); PubMed 15928039 (cited by 3 submitters); PubMed 16358218 (cited by Labcorp Genetics (formerly Invitae), Labcorp); PubMed 17020470 (cited by 3 submitters); PubMed 22420426 (cited by Labcorp Genetics (formerly Invitae), Labcorp); PubMed 26084119 (cited by Labcorp Genetics (formerly Invitae), Labcorp and Illumina Laboratory Services, Illumina); PubMed 16377799 (cited by Labcorp Genetics (formerly Invitae), Labcorp and Laboratory for Molecular Medicine, Mass General Brigham Personalized Medicine); PubMed 19008228 (cited by 4 submitters); PubMed 36002837 (cited by Variantyx, Inc.); PubMed 26918529 (cited by Variantyx, Inc.); PubMed 32164556 (cited by Variantyx, Inc.); PubMed 25097206 (cited by 3 submitters); PubMed 15385933 (cited by Women's Health and Genetics/Laboratory Corporation of America, LabCorp); PubMed 14644997 (cited by Women's Health and Genetics/Laboratory Corporation of America, LabCorp); PubMed 14676626 (cited by Women's Health and Genetics/Laboratory Corporation of America, LabCorp); PubMed 18331608 (cited by Women's Health and Genetics/Laboratory Corporation of America, LabCorp); PubMed 19251646 (cited by Women's Health and Genetics/Laboratory Corporation of America, LabCorp and Laboratory for Molecular Medicine, Mass General Brigham Personalized Medicine); PubMed 12161469 (cited by 3 submitters); PubMed 20651068 (cited by Women's Health and Genetics/Laboratory Corporation of America, LabCorp and Laboratory for Molecular Medicine, Mass General Brigham Personalized Medicine); PubMed 18378677 (cited by Women's Health and Genetics/Laboratory Corporation of America, LabCorp and Laboratory for Molecular Medicine, Mass General Brigham Personalized Medicine); PubMed 24718990 (cited by Women's Health and Genetics/Laboratory Corporation of America, LabCorp and Laboratory for Molecular Medicine, Mass General Brigham Personalized Medicine); PubMed 24628801 (cited by Women's Health and Genetics/Laboratory Corporation of America, LabCorp and Laboratory for Molecular Medicine, Mass General Brigham Personalized Medicine); PubMed 22371576 (cited by Women's Health and Genetics/Laboratory Corporation of America, LabCorp and Laboratory for Molecular Medicine, Mass General Brigham Personalized Medicine); PubMed 19047918 (cited by Women's Health and Genetics/Laboratory Corporation of America, LabCorp); PubMed 26673822 (cited by Women's Health and Genetics/Laboratory Corporation of America, LabCorp); PubMed 19179468 (cited by Women's Health and Genetics/Laboratory Corporation of America, LabCorp); PubMed 17972951 (cited by Women's Health and Genetics/Laboratory Corporation of America, LabCorp); PubMed 15710330 (cited by Women's Health and Genetics/Laboratory Corporation of America, LabCorp); PubMed 25395418 (cited by Women's Health and Genetics/Laboratory Corporation of America, LabCorp); PubMed 27276561 (cited by Women's Health and Genetics/Laboratory Corporation of America, LabCorp); PubMed 27069254 (cited by Women's Health and Genetics/Laboratory Corporation of America, LabCorp); PubMed 18562489 (cited by Laboratory for Molecular Medicine, Mass General Brigham Personalized Medicine); PubMed 16533526 (cited by Laboratory for Molecular Medicine, Mass General Brigham Personalized Medicine); PubMed 16461457 (cited by Laboratory for Molecular Medicine, Mass General Brigham Personalized Medicine); PubMed 16990350 (cited by Laboratory for Molecular Medicine, Mass General Brigham Personalized Medicine); PubMed 21365683 (cited by Laboratory for Molecular Medicine, Mass General Brigham Personalized Medicine); PubMed 25383899 (cited by Laboratory for Molecular Medicine, Mass General Brigham Personalized Medicine); PubMed 15240615 (cited by Laboratory for Molecular Medicine, Mass General Brigham Personalized Medicine); PubMed 19835954 (cited by Laboratory for Molecular Medicine, Mass General Brigham Personalized Medicine).